The following is an entry in ClinVar:

ClinVar aggregate classification (germline): Uncertain significance (1 of 4 stars; one submission).

gnomAD v4.1: 17 of 1,600,386 alleles (0.0011%); highest among the groups gnomAD compares: Admixed American, 0.021%; no homozygotes.

Submission:

Labcorp Genetics (formerly Invitae), Labcorp
Classification: Uncertain significance. Last evaluated: 2023-10-22. Review status: criteria provided, single submitter. Criteria: Invitae Variant Classification Sherloc (09022015). Collection method: clinical testing. Allele origin: germline.
Comment: This sequence change replaces asparagine, which is neutral and polar, with lysine, which is basic and polar, at codon 65 of the NR2E3 protein (p.Asn65Lys). This variant is present in population databases (no rsID available, gnomAD 0.02%). This missense change has been observed in individual(s) with autosomal recessive inherited retinal disease (PMID: 36460718). Advanced modeling of protein sequence and biophysical properties (such as structural, functional, and spatial information, amino acid conservation, physicochemical variation, residue mobility, and thermodynamic stability) has been performed at Invitae for this missense variant, however the output from this modeling did not meet the statistical confidence thresholds required to predict the impact of this variant on NR2E3 protein function. In summary, the available evidence is currently insufficient to determine the role of this variant in disease. Therefore, it has been classified as a Variant of Uncertain Significance.

Literature cited by the submitters: PubMed 36460718.

NM_014249.4(NR2E3):c.195C>G (p.Asn65Lys)

Gene: NR2E3 (nuclear receptor subfamily 2 group E member 3; plus strand). Cytogenetic location: 15q23.
Variant type: single nucleotide variant.
Coding change: c.195C>G on transcript NM_014249.4 (MANE Select); coding-DNA position 195, C replaced by G.
Protein change: p.Asn65Lys; replaces asparagine 65 with lysine.
Molecular consequence: missense variant.
Genome position (GRCh38, 1-based): chr15:71,811,559, C>G. VCF-style: chr15-71811559-C-G. GRCh37 (hg19) VCF-style: chr15-72103899-C-G.
Other names: c.195C>G, p.Asn65Lys (NM_016346.4); short protein forms N65K.
Identifiers: ClinVar variation 2971863 (VCV002971863.3), dbSNP rs367603365, ClinGen allele CA393032094.